The following is an entry in ClinVar:

NM_000352.6(ABCC8):c.2980G>A (p.Glu994Lys)

Gene: ABCC8 (ATP binding cassette subfamily C member 8; minus strand). Cytogenetic location: 11p15.1.
Variant type: single nucleotide variant.
Coding change: c.2980G>A on transcript NM_000352.6 (MANE Select); coding-DNA position 2980, G replaced by A.
Protein change: p.Glu994Lys; replaces glutamic acid 994 with lysine.
Molecular consequence: missense variant. On other transcripts: non-coding transcript variant (1).
Genome position (GRCh38, 1-based): chr11:17,407,070, C>T on the plus strand (G>A on the coding strand, the complement: ABCC8 is on the minus strand). VCF-style: chr11-17407070-C-T. GRCh37 (hg19) VCF-style: chr11-17428617-C-T.
Other names: c.2983G>A, p.Glu995Lys (NM_001287174.3); c.3046G>A, p.Glu1016Lys (NM_001351295.2); c.2980G>A, p.Glu994Lys (NM_001351296.2); c.2977G>A, p.Glu993Lys (NM_001351297.2); c.2980G>A (NM_000352.4); short protein forms E1016K, E993K, E995K, E994K.
Identifiers: ClinVar variation 3599347 (VCV003599347.4).

ClinVar aggregate classification (germline): Uncertain significance. Review status: criteria provided, multiple submitters, no conflicts (2 of 4 stars). 4 submissions from 4 submitters: Uncertain significance (4). Last evaluated 2026-04-03.

Conditions:
Hyperinsulinemic hypoglycemia, familial, 1 (HHF1). Also called: Persistent hyperinsulinemic hypoglycemia of infancy; Persistent Hyperinsulinemia Hypoglycemia of Infancy; HYPERINSULINISM, FAMILIAL, WITH PANCREATIC NESIDIOBLASTOSIS; HYPOGLYCEMIA, HYPERINSULINEMIC, OF INFANCY; NESIDIOBLASTOSIS OF PANCREAS. Identifiers: Orphanet 276575, Orphanet 276598, MedGen C2931832, MONDO:0009734, OMIM 256450.
Diabetes mellitus, permanent neonatal 3. Also called: ABCC8-Related Permanent Neonatal Diabetes Mellitus. Identifiers: MedGen C5394303, MONDO:0030088, OMIM 618857.
Leucine-induced hypoglycemia (LIH). Also called: LEUCINE-SENSITIVE HYPOGLYCEMIA OF INFANCY. Identifiers: MedGen C0271714, MONDO:0009415, OMIM 240800.
Type 2 diabetes mellitus. Also called: Type II diabetes mellitus. Identifiers: MedGen C0011860, MeSH D003924, MONDO:0005148, OMIM 125853, HP:0005978.
Diabetes mellitus, transient neonatal, 2 (TNDM2). Identifiers: Orphanet 99886, MedGen C1835887, MONDO:0012480, OMIM 610374. Disease mechanism: loss of function.
ABCC8-related disorder.

gnomAD v4.1: 57 of 1,614,034 alleles (0.0035%); highest among the groups gnomAD compares: Non-Finnish European, 0.0047%; no homozygotes.

Submissions (4):

Women's Health and Genetics/Laboratory Corporation of America, LabCorp
Classification: Uncertain significance. Last evaluated: 2026-04-03. Review status: criteria provided, single submitter. Criteria: LabCorp Variant Classification Summary - May 2015. Collection method: clinical testing. Allele origin: germline.
Comment: Variant summary: ABCC8 c.2980G>A (p.Glu994Lys) results in a conservative amino acid change in the encoded protein sequence. Algorithms developed to predict the effect of missense changes on protein structure and function all suggest that this variant is likely to be tolerated. The variant allele was found at a frequency of 1.2e-05 in 247656 control chromosomes. The available data on variant occurrences in the general population are insufficient to allow any conclusion about variant significance. To our knowledge, no occurrence of c.2980G>A in individuals affected with ABCC8-related conditions and no experimental evidence demonstrating its impact on protein function have been reported. ClinVar contains an entry for this variant (Variation ID: 3599347). Based on the evidence outlined above, the variant was classified as uncertain significance.

Labcorp Genetics (formerly Invitae), Labcorp
Classification: Uncertain significance. Last evaluated: 2025-09-09. Review status: criteria provided, single submitter. Criteria: Invitae Variant Classification Sherloc (09022015). Collection method: clinical testing. Allele origin: germline.
Comment: This sequence change replaces glutamic acid, which is acidic and polar, with lysine, which is basic and polar, at codon 994 of the ABCC8 protein (p.Glu994Lys). This variant is present in population databases (rs766921341, gnomAD 0.007%). This variant has not been reported in the literature in individuals affected with ABCC8-related conditions. ClinVar contains an entry for this variant (Variation ID: 3599347). Invitae Evidence Modeling of protein sequence and biophysical properties (such as structural, functional, and spatial information, amino acid conservation, physicochemical variation, residue mobility, and thermodynamic stability) indicates that this missense variant is not expected to disrupt ABCC8 protein function with a negative predictive value of 95%. In summary, the available evidence is currently insufficient to determine the role of this variant in disease. Therefore, it has been classified as a Variant of Uncertain Significance.

PreventionGenetics, part of Exact Sciences
Classification: Uncertain significance for ABCC8-related condition. Last evaluated: 2024-11-14. Review status: criteria provided, single submitter. Criteria: ACMG Guidelines, 2015. Collection method: clinical testing. Allele origin: germline.
Comment: The ABCC8 c.2980G>A variant is predicted to result in the amino acid substitution p.Glu994Lys. To our knowledge, this variant has not been reported in the literature. This variant is reported in 0.0062% of alleles in individuals of African descent in gnomAD. At this time, the clinical significance of this variant is uncertain due to the absence of conclusive functional and genetic evidence.

Fulgent Genetics
Classification: Uncertain significance for Type 2 diabetes mellitus; Leucine-induced hypoglycemia; Hyperinsulinemic hypoglycemia, familial, 1; Diabetes mellitus, transient neonatal, 2; Diabetes mellitus, permanent neonatal 3. Last evaluated: 2024-01-04. Review status: criteria provided, single submitter. Criteria: ACMG Guidelines, 2015. Collection method: clinical testing. Allele origin: germline.